The following is an entry in ClinVar:

NM_000159.4(GCDH):c.723dup (p.Met242fs)

Gene: GCDH (glutaryl-CoA dehydrogenase; plus strand). Cytogenetic location: 19p13.13.
Variant type: Duplication.
Coding change: c.723dup on transcript NM_000159.4 (MANE Select); coding-DNA position 723, one base duplicated (G; older notation c.723dupG).
Protein change: p.Met242fs; shifts the reading frame from methionine 242.
Molecular consequence: frameshift variant. On other transcripts: non-coding transcript variant (2).
Genome position (GRCh38, 1-based): chr19:12,896,292, G duplicated; the last of 4 consecutive G bases (chr19:12,896,289-12,896,292); duplicating any one gives the same sequence. VCF-style (leftmost placement, unchanged base first): chr19-12896288-A-AG. GRCh37 (hg19) VCF-style: chr19-13007102-A-AG.
Other names: c.723dup, p.Met242fs (NM_013976.5); short protein forms M242fs.
Identifiers: ClinVar variation 5011805 (VCV005011805.1).

ClinVar aggregate classification (germline): Pathogenic (1 of 4 stars; one submission).

Conditions:
Glutaric aciduria, type 1. Also called: GA I; Glutaryl-CoA dehydrogenase deficiency; Glutaric acidemia type I; Glutaricacidemia Type 1; Glutaricaciduria, type I; Glutaric Acidemia Type 1. Identifiers: Orphanet 25, MedGen C0268595, MONDO:0009281, OMIM 231670.

Submission:

Myriad Genetics, Inc.
Classification: Pathogenic for Glutaric aciduria, type 1. Last evaluated: 2023-09-27. Review status: criteria provided, single submitter. Criteria: Myriad Autosomal Dominant, Autosomal Recessive and X-Linked Classification Criteria (2023). Collection method: clinical testing. Allele origin: unknown.
Comment: NM_000159.2(GCDH):c.723dupG(M242Dfs*101) is expected to be pathogenic in the context of glutaric acidemia, GCDH-related. This variant is predicted to lead to an abnormal or absent protein product due to the creation of a premature termination codon in GCDH, a gene where loss-of-function variants are known to be pathogenic. Please note: this variant was assessed in the context of healthy population screening.